The following is an entry in ClinVar:

ClinVar aggregate classification (germline): Likely benign (1 of 4 stars; one submission).

gnomAD v4.1: 18 of 1,206,317 alleles (0.0015%); highest among the groups gnomAD compares: Middle Eastern, 0.023%; no homozygotes.

Submission:

Women's Health and Genetics/Laboratory Corporation of America, LabCorp
Classification: Likely benign. Last evaluated: 2026-02-03. Review status: criteria provided, single submitter. Criteria: LabCorp Variant Classification Summary - May 2015. Collection method: clinical testing. Allele origin: germline.
Comment: Variant summary: F8 c.7023G>A results in a synonymous change. Consensus agreement among computation tools predict no significant impact on normal splicing. However, these predictions have yet to be confirmed by functional studies. The variant allele was found at a frequency of 2.9e-05 in 171772 control chromosomes. The available data on variant occurrences in the general population are insufficient to allow any conclusion about variant significance. To our knowledge, no occurrence of c.7023G>A in individuals affected with F8-related conditions and no experimental evidence demonstrating its impact on protein function have been reported. No submitters have cited clinical-significance assessments for this variant to ClinVar. Based on the evidence outlined above, the variant was classified as likely benign.

NM_000132.4(F8):c.7023G>A (p.Glu2341=)

Gene: F8 (coagulation factor VIII; minus strand). Cytogenetic location: Xq28.
Variant type: single nucleotide variant.
Coding change: c.7023G>A on transcript NM_000132.4 (MANE Select); coding-DNA position 7023, G replaced by A.
Protein change: p.Glu2341=; no amino-acid change (glutamic acid 2341 retained).
Molecular consequence: synonymous variant.
Genome position (GRCh38, 1-based): chrX:154,837,630, C>T on the plus strand (G>A on the coding strand, the complement: F8 is on the minus strand). VCF-style: chrX-154837630-C-T. GRCh37 (hg19) VCF-style: chrX-154065905-C-T.
Other names: c.618G>A, p.Glu206= (NM_019863.3).
Identifiers: ClinVar variation 4848086 (VCV004848086.1).